The following is an entry in ClinVar:

ClinVar aggregate classification (germline): Uncertain significance (1 of 4 stars; one submission).

Submission:

Labcorp Genetics (formerly Invitae), Labcorp
Classification: Uncertain significance. Last evaluated: 2022-08-10. Review status: criteria provided, single submitter. Criteria: Invitae Variant Classification Sherloc (09022015). Collection method: clinical testing. Allele origin: germline.
Comment: In summary, the available evidence is currently insufficient to determine the role of this variant in disease. Therefore, it has been classified as a Variant of Uncertain Significance. Algorithms developed to predict the effect of missense changes on protein structure and function (SIFT, PolyPhen-2, Align-GVGD) all suggest that this variant is likely to be tolerated. ClinVar contains an entry for this variant (Variation ID: 1381749). This variant has not been reported in the literature in individuals affected with RP2-related conditions. This variant is not present in population databases (gnomAD no frequency). This sequence change replaces methionine, which is neutral and non-polar, with isoleucine, which is neutral and non-polar, at codon 257 of the RP2 protein (p.Met257Ile).

NM_006915.3(RP2):c.771G>T (p.Met257Ile)

Gene: RP2 (RP2 activator of ARL3 GTPase; plus strand). Cytogenetic location: Xp11.3.
Variant type: single nucleotide variant.
Coding change: c.771G>T on transcript NM_006915.3 (MANE Select); coding-DNA position 771, G replaced by T.
Protein change: p.Met257Ile; replaces methionine 257 with isoleucine.
Molecular consequence: missense variant.
Genome position (GRCh38, 1-based): chrX:46,859,990, G>T. VCF-style: chrX-46859990-G-T. GRCh37 (hg19) VCF-style: chrX-46719425-G-T.
Other names: short protein forms M257I.
Identifiers: ClinVar variation 1381749 (VCV001381749.8), dbSNP rs1234207270, ClinGen allele CA413040695.